The following is an entry in ClinVar:

NM_000142.5(FGFR3):c.256C>T (p.Arg86Cys)

Gene: FGFR3 (fibroblast growth factor receptor 3; plus strand). Cytogenetic location: 4p16.3.
Variant type: single nucleotide variant.
Coding change: c.256C>T on transcript NM_000142.5 (MANE Select); coding-DNA position 256, C replaced by T.
Protein change: p.Arg86Cys; replaces arginine 86 with cysteine.
Molecular consequence: missense variant. On other transcripts: non-coding transcript variant (1).
Genome position (GRCh38, 1-based): chr4:1,799,400, C>T. VCF-style: chr4-1799400-C-T. GRCh37 (hg19) VCF-style: chr4-1801127-C-T.
Other names: c.256C>T, p.Arg86Cys (NM_001163213.2, NM_001354809.2, NM_001354810.2 and 1 more transcripts); short protein forms R86C.
Identifiers: ClinVar variation 2497974 (VCV002497974.1), dbSNP rs2108773245, ClinGen allele CA355972822.

ClinVar aggregate classification (germline): Uncertain significance (1 of 4 stars; one submission).

Submission:

GeneDx
Classification: Uncertain significance. Last evaluated: 2022-10-07. Review status: criteria provided, single submitter. Criteria: GeneDx Variant Classification Process June 2021. Collection method: clinical testing. Allele origin: germline. Affected: yes.
Comment: Not observed at significant frequency in large population cohorts (gnomAD); In silico analysis supports that this missense variant has a deleterious effect on protein structure/function; Has not been previously published as pathogenic or benign to our knowledge